The following is an entry in ClinVar:

NM_001127222.2(CACNA1A):c.7391C>T (p.Ser2464Leu)

Gene: CACNA1A (calcium voltage-gated channel subunit alpha1 A; minus strand). Cytogenetic location: 19p13.13.
Variant type: single nucleotide variant.
Coding change: c.7391C>T on transcript NM_001127222.2 (MANE Select); coding-DNA position 7391, C replaced by T.
Protein change: p.Ser2464Leu; replaces serine 2464 with leucine.
Molecular consequence: missense variant. On other transcripts: 3 prime UTR variant (3).
Genome position (GRCh38, 1-based): chr19:13,207,443, G>A on the plus strand (C>T on the coding strand, the complement: CACNA1A is on the minus strand). VCF-style: chr19-13207443-G-A. GRCh37 (hg19) VCF-style: chr19-13318257-G-A.
Other names: c.*603C>T (NM_000068.4, NM_001127221.2, NM_001174080.2); c.7409C>T, p.Ser2470Leu (NM_023035.3); short protein forms S2464L, S2470L.
Identifiers: ClinVar variation 1694891 (VCV001694891.31), dbSNP rs1171910645, ClinGen allele CA404326966.
Genomic context (GRCh38, chr19:13,207,443, plus strand): 5'-CTGGCCAGTCCGTGCGCCGGGTAGTAGCCGTTGGGGAGTCGCCGGCCGTGCCGAGAAGGC[G>A]AGGCGCAGGCCGGGCCCGAGGCCCGGGGAGTCCTGGGCGAGCGCCCGGTGGCGCCCGAGG-3'
Protein context (NP_001120694.1, residues 2454-2474): TPRASGPACA[Ser2464Leu]PSRHGRRLPN

ClinVar aggregate classification (germline): Uncertain significance (1 of 4 stars; one submission).

Allele frequency attached by ClinVar (database versions not stated): gnomAD exomes below 0.00001; TOPMed below 0.00001.
gnomAD v4.1: 5 of 1,516,050 alleles (0.00033%); highest among the groups gnomAD compares: Non-Finnish European, 0.00035%; no homozygotes.

Submission:

CeGaT Center for Human Genetics Tuebingen
Classification: Uncertain significance. Last evaluated: 2022-06-01. Review status: criteria provided, single submitter. Criteria: CeGaT Center For Human Genetics Tuebingen Variant Classification Criteria Version 2. Collection method: clinical testing. Allele origin: germline. Affected: yes. Observed: 1 variant allele.
Comment: CACNA1A: PM2, PP2, PP3, BP5